The following is an entry in ClinVar:

NM_024494.3(WNT2B):c.719A>G (p.His240Arg)

Gene: WNT2B (Wnt family member 2B; plus strand). Cytogenetic location: 1p13.2.
Variant type: single nucleotide variant.
Coding change: c.719A>G on transcript NM_024494.3 (MANE Select); coding-DNA position 719, A replaced by G.
Protein change: p.His240Arg; replaces histidine 240 with arginine.
Molecular consequence: missense variant.
Genome position (GRCh38, 1-based): chr1:112,517,158, A>G. VCF-style: chr1-112517158-A-G. GRCh37 (hg19) VCF-style: chr1-113059780-A-G.
Other names: c.443A>G, p.His148Arg (NM_001291880.1); c.662A>G, p.His221Arg (NM_004185.4); short protein forms H148R, H221R, H240R.
Identifiers: ClinVar variation 2019807 (VCV002019807.2), dbSNP rs749004441, ClinGen allele CA1008343.

ClinVar aggregate classification (germline): Uncertain significance (1 of 4 stars; one submission).

Allele frequency attached by ClinVar (database versions not stated): TOPMed below 0.00001; gnomAD 0.00001.
gnomAD v4.1: 10 of 1,613,570 alleles (0.00062%); highest among the groups gnomAD compares: Admixed American, 0.0017%; no homozygotes.

Submission:

Labcorp Genetics (formerly Invitae), Labcorp
Classification: Uncertain significance. Last evaluated: 2022-08-08. Review status: criteria provided, single submitter. Criteria: Invitae Variant Classification Sherloc (09022015). Collection method: clinical testing. Allele origin: germline.
Comment: In summary, the available evidence is currently insufficient to determine the role of this variant in disease. Therefore, it has been classified as a Variant of Uncertain Significance. Algorithms developed to predict the effect of missense changes on protein structure and function (SIFT, PolyPhen-2, Align-GVGD) all suggest that this variant is likely to be disruptive. This variant has not been reported in the literature in individuals affected with WNT2B-related conditions. This variant is present in population databases (rs749004441, gnomAD 0.02%). This sequence change replaces histidine, which is basic and polar, with arginine, which is basic and polar, at codon 240 of the WNT2B protein (p.His240Arg).